The following is an entry in ClinVar:

NM_002435.3(MPI):c.670+11T>C

Gene: MPI (mannose phosphate isomerase; plus strand). Cytogenetic location: 15q24.1.
Variant type: single nucleotide variant.
Coding change: c.670+11T>C on transcript NM_002435.3 (MANE Select); 11 bases into the intron after coding-DNA position 670, T replaced by C.
Molecular consequence: intron variant.
Genome position (GRCh38, 1-based): chr15:74,893,331, T>C. VCF-style: chr15-74893331-T-C. GRCh37 (hg19) VCF-style: chr15-75185672-T-C.
Other names: c.610+11T>C (NM_001330372.2); c.670+11T>C (NM_001289155.2); c.487+529T>C (NM_001289157.2); c.520+11T>C (NM_001289156.2).
Identifiers: ClinVar variation 386069 (VCV000386069.13), dbSNP rs144118442, ClinGen allele CA7662488.

ClinVar aggregate classification (germline): Conflicting classifications of pathogenicity. Review status: criteria provided, conflicting classifications (1 of 4 stars). 4 submissions from 4 submitters: Uncertain significance (1); Likely benign (3). Last evaluated 2026-02-02.

Conditions:
MPI-congenital disorder of glycosylation. Also called: CONGENITAL DISORDER OF GLYCOSYLATION, TYPE Ib; MANNOSEPHOSPHATE ISOMERASE DEFICIENCY; MPI-CDG; MPI DEFICIENCY; PROTEIN-LOSING ENTEROPATHY-HEPATIC FIBROSIS SYNDROME; CDG Ib. Identifiers: Orphanet 79319, MedGen C1865145, MONDO:0011257, OMIM 602579.

Allele frequency attached by ClinVar (database versions not stated): ESP Exome Variant Server 0.00031; ExAC 0.00037; gnomAD 0.00046 and 0.00047; gnomAD exomes 0.00048 and 0.00068; TOPMed 0.00050; 1000 Genomes Project 0.00060; 1000 Genomes Project 30x 0.00062.
gnomAD v4.1: 1,066 of 1,614,018 alleles (0.066%); highest among the groups gnomAD compares: Non-Finnish European, 0.084%; no homozygotes.

Submissions (4):

Labcorp Genetics (formerly Invitae), Labcorp
Classification: Likely benign for MPI-congenital disorder of glycosylation. Last evaluated: 2026-02-02. Review status: criteria provided, single submitter. Criteria: Invitae Variant Classification Sherloc (09022015). Collection method: clinical testing. Allele origin: germline.

Blueprint Genetics
Classification: Likely benign. Last evaluated: 2024-11-04. Review status: criteria provided, single submitter. Criteria: ACMG Guidelines, 2015. Collection method: clinical testing. Allele origin: germline.

GeneDx
Classification: Likely benign. Last evaluated: 2018-01-19. Review status: criteria provided, single submitter. Criteria: GeneDx Variant Classification (06012015). Collection method: clinical testing. Allele origin: germline. Affected: yes.
Comment: This variant is considered likely benign or benign based on one or more of the following criteria: it is a conservative change, it occurs at a poorly conserved position in the protein, it is predicted to be benign by multiple in silico algorithms, and/or has population frequency not consistent with disease.

Illumina Laboratory Services, Illumina
Classification: Uncertain significance for MPI-congenital disorder of glycosylation. Last evaluated: 2018-01-13. Review status: criteria provided, single submitter. Criteria: ICSL Variant Classification Criteria 13 December 2019. Collection method: clinical testing. Allele origin: germline.